The following is an entry in ClinVar:

ClinVar aggregate classification (germline): Uncertain significance (1 of 4 stars; one submission).

Conditions:
Cardiovascular phenotype. Identifiers: MedGen CN230736.

Submission:

Ambry Genetics
Classification: Uncertain significance for Cardiovascular phenotype. Last evaluated: 2023-11-21. Review status: criteria provided, single submitter. Criteria: Ambry Variant Classification Scheme 2023. Collection method: clinical testing. Allele origin: germline.
Comment: The p.G3212R variant (also known as c.9634G>C), located in coding exon 27 of the TNXB gene, results from a G to C substitution at nucleotide position 9634. The glycine at codon 3212 is replaced by arginine, an amino acid with dissimilar properties. This amino acid position is conserved. In addition, this alteration is predicted to be tolerated by in silico analysis. Since supporting evidence is limited at this time, the clinical significance of this alteration remains unclear.

NM_001365276.2(TNXB):c.9640G>C (p.Gly3214Arg)

Gene: TNXB (tenascin XB; minus strand). Cytogenetic location: 6p21.33.
Variant type: single nucleotide variant.
Coding change: c.9640G>C on transcript NM_001365276.2 (MANE Select); coding-DNA position 9640, G replaced by C.
Protein change: p.Gly3214Arg; replaces glycine 3214 with arginine.
Molecular consequence: missense variant.
Genome position (GRCh38, 1-based): chr6:32,049,387, C>G on the plus strand (G>C on the coding strand, the complement: TNXB is on the minus strand). VCF-style: chr6-32049387-C-G. GRCh37 (hg19) VCF-style: chr6-32017164-C-G.
Other names: c.10381G>C, p.Gly3461Arg (NM_001428335.1); c.9634G>C, p.Gly3212Arg (NM_019105.8); short protein forms G3212R, G3214R, G3461R.
Identifiers: ClinVar variation 3227367 (VCV003227367.1), dbSNP rs769529435, ClinGen allele CA363538509.